The following is an entry in ClinVar:

ClinVar aggregate classification (germline): Uncertain significance (1 of 4 stars; one submission).

Submission:

Labcorp Genetics (formerly Invitae), Labcorp
Classification: Uncertain significance. Last evaluated: 2022-08-09. Review status: criteria provided, single submitter. Criteria: Invitae Variant Classification Sherloc (09022015). Collection method: clinical testing. Allele origin: germline.
Comment: In summary, the available evidence is currently insufficient to determine the role of this variant in disease. Therefore, it has been classified as a Variant of Uncertain Significance. Advanced modeling of protein sequence and biophysical properties (such as structural, functional, and spatial information, amino acid conservation, physicochemical variation, residue mobility, and thermodynamic stability) performed at Invitae indicates that this missense variant is not expected to disrupt LRP5 protein function. This variant has not been reported in the literature in individuals affected with LRP5-related conditions. This variant is not present in population databases (gnomAD no frequency). This sequence change replaces leucine, which is neutral and non-polar, with valine, which is neutral and non-polar, at codon 15 of the LRP5 protein (p.Leu15Val).

NM_002335.4(LRP5):c.43C>G (p.Leu15Val)

Gene: LRP5 (LDL receptor related protein 5; plus strand). Cytogenetic location: 11q13.2.
Variant type: single nucleotide variant.
Coding change: c.43C>G on transcript NM_002335.4 (MANE Select); coding-DNA position 43, C replaced by G.
Protein change: p.Leu15Val; replaces leucine 15 with valine.
Molecular consequence: missense variant. On other transcripts: 5 prime UTR variant (1).
Genome position (GRCh38, 1-based): chr11:68,312,757, C>G. VCF-style: chr11-68312757-C-G. GRCh37 (hg19) VCF-style: chr11-68080225-C-G.
Other names: c.-1723C>G (NM_001291902.2); short protein forms L15V.
Identifiers: ClinVar variation 1965141 (VCV001965141.5), dbSNP rs2098589299, ClinGen allele CA381607418.